The following is an entry in ClinVar:

NM_001134363.3(RBM20):c.1757T>C (p.Leu586Ser)

Gene: RBM20 (RNA binding motif protein 20; plus strand). Cytogenetic location: 10q25.2.
Variant type: single nucleotide variant.
Coding change: c.1757T>C on transcript NM_001134363.3 (MANE Select); coding-DNA position 1757, T replaced by C.
Protein change: p.Leu586Ser; replaces leucine 586 with serine.
Molecular consequence: missense variant.
Genome position (GRCh38, 1-based): chr10:110,799,875, T>C. VCF-style: chr10-110799875-T-C. GRCh37 (hg19) VCF-style: chr10-112559633-T-C.
Other names: short protein forms L586S.
Identifiers: ClinVar variation 3787508 (VCV003787508.2).

ClinVar aggregate classification (germline): Uncertain significance. Review status: criteria provided, multiple submitters, no conflicts (2 of 4 stars). 2 submissions from 2 submitters: Uncertain significance (2). Last evaluated 2025-05-17.

Conditions:
Dilated cardiomyopathy 1DD (CMD1DD). Identifiers: Orphanet 154, MedGen C2750995, MONDO:0013168, OMIM 613172.
Cardiovascular phenotype. Identifiers: MedGen CN230736.

Submissions (2):

Labcorp Genetics (formerly Invitae), Labcorp
Classification: Uncertain significance for Dilated cardiomyopathy 1DD. Last evaluated: 2025-05-17. Review status: criteria provided, single submitter. Criteria: Invitae Variant Classification Sherloc (09022015). Collection method: clinical testing. Allele origin: germline.
Comment: This sequence change replaces leucine, which is neutral and non-polar, with serine, which is neutral and polar, at codon 586 of the RBM20 protein (p.Leu586Ser). This variant is not present in population databases (gnomAD no frequency). This variant has not been reported in the literature in individuals affected with RBM20-related conditions. Invitae Evidence Modeling of protein sequence and biophysical properties (such as structural, functional, and spatial information, amino acid conservation, physicochemical variation, residue mobility, and thermodynamic stability) has been performed for this missense variant. However, the output from this modeling did not meet the statistical confidence thresholds required to predict the impact of this variant on RBM20 protein function. In summary, the available evidence is currently insufficient to determine the role of this variant in disease. Therefore, it has been classified as a Variant of Uncertain Significance.

Ambry Genetics
Classification: Uncertain significance for Cardiovascular phenotype. Last evaluated: 2024-12-14. Review status: criteria provided, single submitter. Criteria: Ambry Variant Classification Scheme 2023. Collection method: clinical testing. Allele origin: germline.
Comment: The p.L586S variant (also known as c.1757T>C), located in coding exon 7 of the RBM20 gene, results from a T to C substitution at nucleotide position 1757. The leucine at codon 586 is replaced by serine, an amino acid with dissimilar properties. This amino acid position is conserved. In addition, this alteration is predicted to be deleterious by in silico analysis. Based on the available evidence, the clinical significance of this variant remains unclear.